The following is an entry in ClinVar:

NM_001291415.2(KDM6A):c.1756C>T (p.Pro586Ser)

Gene: KDM6A (lysine demethylase 6A; plus strand). Cytogenetic location: Xp11.3.
Variant type: single nucleotide variant.
Coding change: c.1756C>T on transcript NM_001291415.2 (MANE Select); coding-DNA position 1756, C replaced by T.
Protein change: p.Pro586Ser; replaces proline 586 with serine.
Molecular consequence: missense variant. On other transcripts: non-coding transcript variant (1).
Genome position (GRCh38, 1-based): chrX:45,063,494, C>T. VCF-style: chrX-45063494-C-T. GRCh37 (hg19) VCF-style: chrX-44922739-C-T.
Other names: c.1465C>T, p.Pro489Ser (NM_001291417.2); c.1363C>T, p.Pro455Ser (NM_001291418.2, NM_001419815.1); c.712C>T, p.Pro238Ser (NM_001291421.2); c.1498C>T, p.Pro500Ser (NM_001410742.1, NM_001419814.1); c.1756C>T, p.Pro586Ser (NM_001419809.1); c.1654C>T, p.Pro552Ser (NM_001419810.1, NM_001419813.1); c.1621C>T, p.Pro541Ser (NM_001419811.1, NM_001291416.2); c.1600C>T, p.Pro534Ser (NM_001419812.1, NM_021140.4); short protein forms P500S, P586S, P238S, P489S, P534S, P541S, P455S, P552S.
Identifiers: ClinVar variation 4771240 (VCV004771240.1).

ClinVar aggregate classification (germline): Uncertain significance (1 of 4 stars; one submission).

Conditions:
Kabuki syndrome 2 (KABUK2). Also called: KDM6A-Related Kabuki Syndrome. Identifiers: Orphanet 2322, MedGen C3275495, MONDO:0010465, OMIM 300867.

Submission:

Labcorp Genetics (formerly Invitae), Labcorp
Classification: Uncertain significance for Kabuki syndrome 2. Last evaluated: 2025-07-28. Review status: criteria provided, single submitter. Criteria: Invitae Variant Classification Sherloc (09022015). Collection method: clinical testing. Allele origin: germline.
Comment: This sequence change replaces proline, which is neutral and non-polar, with serine, which is neutral and polar, at codon 534 of the KDM6A protein (p.Pro534Ser). This variant is not present in population databases (gnomAD no frequency). This variant has not been reported in the literature in individuals affected with KDM6A-related conditions. Invitae Evidence Modeling of protein sequence and biophysical properties (such as structural, functional, and spatial information, amino acid conservation, physicochemical variation, residue mobility, and thermodynamic stability) indicates that this missense variant is not expected to disrupt KDM6A protein function with a negative predictive value of 80%. In summary, the available evidence is currently insufficient to determine the role of this variant in disease. Therefore, it has been classified as a Variant of Uncertain Significance.